The following is an entry in ClinVar:

NM_015559.3(SETBP1):c.3346C>T (p.His1116Tyr)

Gene: SETBP1 (SET binding protein 1; plus strand). Cytogenetic location: 18q12.3.
Variant type: single nucleotide variant.
Coding change: c.3346C>T on transcript NM_015559.3 (MANE Select); coding-DNA position 3346, C replaced by T.
Protein change: p.His1116Tyr; replaces histidine 1116 with tyrosine.
Molecular consequence: missense variant.
Genome position (GRCh38, 1-based): chr18:44,952,686, C>T. VCF-style: chr18-44952686-C-T. GRCh37 (hg19) VCF-style: chr18-42532651-C-T.
Other names: c.3346C>T, p.His1116Tyr (NM_001379141.1, NM_001379142.1, NM_001410862.1); c.3346C>T (NM_015559.2); short protein forms H1116Y.
Identifiers: ClinVar variation 3688456 (VCV003688456.3).

ClinVar aggregate classification (germline): Uncertain significance. Review status: criteria provided, multiple submitters, no conflicts (2 of 4 stars). 2 submissions from 2 submitters: Uncertain significance (2). Last evaluated 2026-01-11.

Conditions:
SETBP1-related disorder. Also called: SETBP1-related condition; SETBP1-related disorders.

gnomAD v4.1: 4 of 1,614,136 alleles (0.00025%); highest among the groups gnomAD compares: Non-Finnish European, 0.00025%; no homozygotes.

Submissions (2):

Labcorp Genetics (formerly Invitae), Labcorp
Classification: Uncertain significance. Last evaluated: 2026-01-11. Review status: criteria provided, single submitter. Criteria: Invitae Variant Classification Sherloc (09022015). Collection method: clinical testing. Allele origin: germline.
Comment: This sequence change replaces histidine, which is basic and polar, with tyrosine, which is neutral and polar, at codon 1116 of the SETBP1 protein (p.His1116Tyr). This variant is not present in population databases (gnomAD no frequency). This variant has not been reported in the literature in individuals affected with SETBP1-related conditions. ClinVar contains an entry for this variant (Variation ID: 3688456). Invitae Evidence Modeling of protein sequence and biophysical properties (such as structural, functional, and spatial information, amino acid conservation, physicochemical variation, residue mobility, and thermodynamic stability) indicates that this missense variant is expected to disrupt SETBP1 protein function with a positive predictive value of 80%. In summary, the available evidence is currently insufficient to determine the role of this variant in disease. Therefore, it has been classified as a Variant of Uncertain Significance.

PreventionGenetics, part of Exact Sciences
Classification: Uncertain significance for SETBP1-related condition. Last evaluated: 2025-06-20. Review status: criteria provided, single submitter. Criteria: ACMG Guidelines, 2015. Collection method: clinical testing. Allele origin: germline.
Comment: The SETBP1 c.3346C>T variant is predicted to result in the amino acid substitution p.His1116Tyr. To our knowledge, this variant has not been reported in the literature or in a large population database (gnomAD), indicating this variant is rare. At this time, the clinical significance of this variant is uncertain due to the absence of conclusive functional and genetic evidence.